The following is an entry in ClinVar:

ClinVar aggregate classification (germline): Uncertain significance (1 of 4 stars; one submission).

Conditions:
Luscan-Lumish syndrome. Identifiers: Orphanet 597738, MedGen C4085873, MONDO:0014791, OMIM 616831.

Submission:

Labcorp Genetics (formerly Invitae), Labcorp
Classification: Uncertain significance for Luscan-Lumish syndrome. Last evaluated: 2024-04-13. Review status: criteria provided, single submitter. Criteria: Invitae Variant Classification Sherloc (09022015). Collection method: clinical testing. Allele origin: germline.
Comment: This sequence change replaces glutamic acid, which is acidic and polar, with aspartic acid, which is acidic and polar, at codon 851 of the SETD2 protein (p.Glu851Asp). This variant is not present in population databases (gnomAD no frequency). This variant has not been reported in the literature in individuals affected with SETD2-related conditions. ClinVar contains an entry for this variant (Variation ID: 861423). Advanced modeling of protein sequence and biophysical properties (such as structural, functional, and spatial information, amino acid conservation, physicochemical variation, residue mobility, and thermodynamic stability) performed at Invitae indicates that this missense variant is not expected to disrupt SETD2 protein function with a negative predictive value of 80%. In summary, the available evidence is currently insufficient to determine the role of this variant in disease. Therefore, it has been classified as a Variant of Uncertain Significance.

NM_014159.7(SETD2):c.2553A>C (p.Glu851Asp)

Gene: SETD2 (SET domain containing 2, histone lysine methyltransferase; minus strand). Cytogenetic location: 3p21.31.
Variant type: single nucleotide variant.
Coding change: c.2553A>C on transcript NM_014159.7 (MANE Select); coding-DNA position 2553, A replaced by C.
Protein change: p.Glu851Asp; replaces glutamic acid 851 with aspartic acid.
Molecular consequence: missense variant. On other transcripts: non-coding transcript variant (1).
Genome position (GRCh38, 1-based): chr3:47,122,083, T>G on the plus strand (A>C on the coding strand, the complement: SETD2 is on the minus strand). VCF-style: chr3-47122083-T-G. GRCh37 (hg19) VCF-style: chr3-47163573-T-G.
Other names: c.2421A>C, p.Glu807Asp (NM_001349370.3); short protein forms E851D, E807D.
Identifiers: ClinVar variation 861423 (VCV000861423.6), dbSNP rs2043118526, ClinGen allele CA352526050.